The following is an entry in ClinVar:

NM_000124.4(ERCC6):c.4146del (p.Leu1384fs)

Gene: ERCC6 (ERCC excision repair 6, chromatin remodeling factor; minus strand). Cytogenetic location: 10q11.23.
Variant type: Deletion.
Coding change: c.4146del on transcript NM_000124.4 (MANE Select); coding-DNA position 4146, one base deleted (G; older notation c.4146delG).
Protein change: p.Leu1384fs; shifts the reading frame from leucine 1384.
Molecular consequence: frameshift variant.
Genome position (GRCh38, 1-based): chr10:49,459,151, C deleted on the plus strand (G on the coding strand, the reverse complement: ERCC6 is on the minus strand); the first of 3 consecutive C bases (chr10:49,459,151-49,459,153); deleting any one gives the same sequence. VCF-style (leftmost placement, unchanged base first): chr10-49459150-GC-G. GRCh37 (hg19) VCF-style: chr10-50667196-GC-G.
Other names: c.4146del, p.Leu1384fs (NM_001346440.2); short protein forms L1384fs.
Identifiers: ClinVar variation 2501034 (VCV002501034.1), dbSNP rs2495943651, ClinGen allele CA2580615462.

ClinVar aggregate classification (germline): Likely pathogenic (1 of 4 stars; one submission).

Conditions:
Cockayne syndrome. Identifiers: Orphanet 191, MedGen C0009207, MONDO:0016006.

Submission:

Women's Health and Genetics/Laboratory Corporation of America, LabCorp
Classification: Likely pathogenic for Cockayne syndrome. Last evaluated: 2023-03-01. Review status: criteria provided, single submitter. Criteria: LabCorp Variant Classification Summary - May 2015. Collection method: clinical testing. Allele origin: germline.
Comment: Variant summary: ERCC6 c.4146delG (p.Leu1384SerfsX10) results in a premature termination codon, predicted to cause a truncation of the encoded protein, which is a commonly known mechanism for disease. While this variant is not expected to result in nonsense mediated decay, it is predicted to disrupt the last 109 amino acids of the protein. Truncations at this position or downstream of this position have been cited in ClinVar and HGMD as pathogenic and disease-associated, and have been reported in affected individuals (PMIDs: 27004399, 29572252). The variant was absent in 250966 control chromosomes (gnomAD). To our knowledge, no occurrence of c.4146delG in individuals affected with Cockayne Syndrome and no experimental evidence demonstrating its impact on protein function have been reported. No clinical diagnostic laboratories have submitted clinical-significance assessments for this variant to ClinVar after 2014. Based on the evidence outlined above, the variant was classified as likely pathogenic.